The following is an entry in ClinVar:

NM_000044.6(AR):c.2283G>T (p.Arg761Ser)

Gene: AR (androgen receptor; plus strand). Cytogenetic location: Xq12.
Variant type: single nucleotide variant.
Coding change: c.2283G>T on transcript NM_000044.6 (MANE Select); coding-DNA position 2283, G replaced by T.
Protein change: p.Arg761Ser; replaces arginine 761 with serine.
Molecular consequence: missense variant.
Genome position (GRCh38, 1-based): chrX:67,717,587, G>T. VCF-style: chrX-67717587-G-T. GRCh37 (hg19) VCF-style: chrX-66937429-G-T.
Other names: c.687G>T, p.Arg229Ser (NM_001011645.3); short protein forms R229S, R761S.
Identifiers: ClinVar variation 954661 (VCV000954661.21), dbSNP rs2076118894, ClinGen allele CA413424728.
Genomic context (GRCh38, chrX:67,717,587, plus strand): 5'-CTGGATGGGGCTCATGGTGTTTGCCATGGGCTGGCGATCCTTCACCAATGTCAACTCCAG[G>T]ATGCTCTACTTCGCCCCTGATCTGGTTTTCAATGAGTAAGTGCTCCTGGGGCCCAGACCT-3'
Protein context (NP_000035.2, residues 751-771): GWRSFTNVNS[Arg761Ser]MLYFAPDLVF

ClinVar aggregate classification (germline): Conflicting classifications of pathogenicity. Review status: criteria provided, conflicting classifications (1 of 4 stars). 2 submissions from 2 submitters: Likely pathogenic (1); Uncertain significance (1). Last evaluated 2024-04-01.

Conditions:
Kennedy disease (SMAX1). Also called: KENNEDY SPINAL AND BULBAR MUSCULAR ATROPHY; SPINAL AND BULBAR MUSCULAR ATROPHY, X-LINKED 1; Spinal and Bulbar Muscular Atrophy. Identifiers: Orphanet 481, MedGen C1839259, MONDO:0010735, OMIM 313200.
Androgen resistance syndrome (AIS). Also called: Androgen insensitivity, complete; Androgen insensitivity syndrome; Androgen insensitivity; DHTR DEFICIENCY; DIHYDROTESTOSTERONE RECEPTOR DEFICIENCY; ANDROGEN RECEPTOR DEFICIENCY. Identifiers: Orphanet 754, Orphanet 99429, MedGen C0039585, MONDO:0019154, OMIM 300068. Disease mechanism: loss of function.

Allele frequency attached by ClinVar (database versions not stated): gnomAD exomes below 0.00001.
gnomAD v4.1: 2 of 1,212,244 alleles (0.00016%); highest among the groups gnomAD compares: Non-Finnish European, 0.00022%; no homozygotes.

Submissions (2):

CeGaT Center for Human Genetics Tuebingen
Classification: Likely pathogenic. Last evaluated: 2024-04-01. Review status: criteria provided, single submitter. Criteria: CeGaT Center For Human Genetics Tuebingen Variant Classification Criteria Version 2. Collection method: clinical testing. Allele origin: germline. Affected: yes. Observed: 1 variant allele.
Comment: AR: PM2, PM5, PP3, PS4:Supporting

Labcorp Genetics (formerly Invitae), Labcorp
Classification: Uncertain significance for Bulbo-spinal atrophy X-linked; Androgen resistance syndrome. Last evaluated: 2019-10-17. Review status: criteria provided, single submitter. Criteria: Invitae Variant Classification Sherloc (09022015). Collection method: clinical testing. Allele origin: germline.
Comment: This sequence change replaces arginine with serine at codon 761 of the AR protein (p.Arg761Ser). The arginine residue is moderately conserved and there is a moderate physicochemical difference between arginine and serine. This variant is not present in population databases (ExAC no frequency). This variant has been observed in several individuals with clinical features of partial androgen insensitivity syndrome (PMID: 17937062, Invitae). Algorithms developed to predict the effect of missense changes on protein structure and function are either unavailable or do not agree on the potential impact of this missense change (SIFT: "Tolerated"; PolyPhen-2: "Probably Damaging"; Align-GVGD: "Class C0"). Algorithms developed to predict the effect of sequence changes on RNA splicing suggest that this variant may create or strengthen a splice site, but this prediction has not been confirmed by published transcriptional studies. In summary, the available evidence is currently insufficient to determine the role of this variant in disease. Therefore, it has been classified as a Variant of Uncertain Significance.

Literature cited by the submitters: PubMed 17937062 (cited by Labcorp Genetics (formerly Invitae), Labcorp).